The following is an entry in ClinVar:

NM_000264.5(PTCH1):c.2095T>G (p.Cys699Gly)

Genes: PTCH1 (patched 1; minus strand), LOC100507346 (uncharacterized LOC100507346; plus strand). Cytogenetic location: 9q22.32.
Variant type: single nucleotide variant.
Coding change: c.2095T>G on transcript NM_000264.5 (MANE Select); coding-DNA position 2095, T replaced by G.
Protein change: p.Cys699Gly; replaces cysteine 699 with glycine.
Molecular consequence: missense variant. On other transcripts: non-coding transcript variant (2).
Genome position (GRCh38, 1-based): chr9:95,468,906, A>C on the plus strand (T>G on the coding strand, the complement: PTCH1 is on the minus strand). VCF-style: chr9-95468906-A-C. GRCh37 (hg19) VCF-style: chr9-98231188-A-C.
Other names: c.1897T>G, p.Cys633Gly (NM_001083602.3); c.2092T>G, p.Cys698Gly (NM_001083603.3); c.1642T>G, p.Cys548Gly (NM_001083604.3, NM_001083605.3, NM_001083606.3 and 1 more transcripts); c.1939T>G, p.Cys647Gly (NM_001354918.2); short protein forms C647G, C548G, C633G, C699G, C698G.
Identifiers: ClinVar variation 2050388 (VCV002050388.4), dbSNP rs1241082201, ClinGen allele CA374115670.

ClinVar aggregate classification (germline): Uncertain significance (1 of 4 stars; one submission).

Conditions:
Gorlin syndrome. Also called: Nevoid Basal Cell Carcinoma Syndrome; Basal cell nevus syndrome. Identifiers: Orphanet 377, MedGen C0004779, MONDO:0007187.

Allele frequency attached by ClinVar (database versions not stated): gnomAD exomes below 0.00001; TOPMed below 0.00001; gnomAD 0.00001.
gnomAD v4.1: 2 of 1,614,034 alleles (0.00012%); highest among the groups gnomAD compares: Non-Finnish European, 0.00017%; no homozygotes.

Submission:

Labcorp Genetics (formerly Invitae), Labcorp
Classification: Uncertain significance for Gorlin syndrome. Last evaluated: 2022-05-19. Review status: criteria provided, single submitter. Criteria: Invitae Variant Classification Sherloc (09022015). Collection method: clinical testing. Allele origin: germline.
Comment: This sequence change replaces cysteine, which is neutral and slightly polar, with glycine, which is neutral and non-polar, at codon 699 of the PTCH1 protein (p.Cys699Gly). This variant is not present in population databases (gnomAD no frequency). In summary, the available evidence is currently insufficient to determine the role of this variant in disease. Therefore, it has been classified as a Variant of Uncertain Significance. Advanced modeling of protein sequence and biophysical properties (such as structural, functional, and spatial information, amino acid conservation, physicochemical variation, residue mobility, and thermodynamic stability) performed at Invitae indicates that this missense variant is not expected to disrupt PTCH1 protein function. This variant has not been reported in the literature in individuals affected with PTCH1-related conditions.